The following is an entry in ClinVar:

NM_001558.4(IL10RA):c.21G>C (p.Val7=)

Gene: IL10RA (interleukin 10 receptor subunit alpha; plus strand). Cytogenetic location: 11q23.3.
Variant type: single nucleotide variant.
Coding change: c.21G>C on transcript NM_001558.4 (MANE Select); coding-DNA position 21, G replaced by C.
Protein change: p.Val7=; no amino-acid change (valine 7 retained).
Molecular consequence: synonymous variant. On other transcripts: non-coding transcript variant (1).
Genome position (GRCh38, 1-based): chr11:117,986,488, G>C. VCF-style: chr11-117986488-G-C. GRCh37 (hg19) VCF-style: chr11-117857203-G-C.
Other names: p.Val7=.
Identifiers: ClinVar variation 281990 (VCV000281990.50), dbSNP rs4252301, ClinGen allele CA6298792.
Genomic context (GRCh38, chr11:117,986,488, plus strand): 5'-CCGGCTCCGCTCCGGCCCCGGACGATGCGGCGCGCCCAGGATGCTGCCGTGCCTCGTAGT[G>C]CTGCTGGCGGCGCTCCTCAGCCTCCGTCTTGGCTCAGACGCTCATGGTAAGGCTCCGGGA-3'
Protein context (NP_001549.2, residues 1-17): MLPCLV[Val7=]LLAALLSLRL

ClinVar aggregate classification (germline): Benign/Likely benign. Review status: criteria provided, multiple submitters, no conflicts (2 of 4 stars). 6 submissions from 6 submitters: Benign (5); Likely benign (1). Last evaluated 2026-06-01.

Conditions:
Inflammatory bowel disease 28. Also called: Inflammatory bowel disease 28, early onset, autosomal recessive. Identifiers: Orphanet 238569, MedGen C2751053, MONDO:0013153, OMIM 613148.

Allele frequency attached by ClinVar (database versions not stated): 1000 Genomes Project 30x 0.00219; 1000 Genomes Project 0.00220; ESP Exome Variant Server 0.00425; ExAC 0.00447; gnomAD exomes 0.00466 and 0.00814; TOPMed 0.00529; gnomAD 0.00555 and 0.00575.
gnomAD v4.1: 12,140 of 1,556,200 alleles (0.78%); highest among the groups gnomAD compares: Non-Finnish European, 0.97%; 53 homozygotes.

Submissions (6):

CeGaT Center for Human Genetics Tuebingen
Classification: Likely benign. Last evaluated: 2026-06-01. Review status: criteria provided, single submitter. Criteria: CeGaT Center For Human Genetics Tuebingen Variant Classification Criteria Version 2. Collection method: clinical testing. Allele origin: germline. Affected: yes. Observed: 9 variant alleles.
Comment: IL10RA: BP4, BP7, BS2

Labcorp Genetics (formerly Invitae), Labcorp
Classification: Benign for Inflammatory bowel disease 28. Last evaluated: 2026-02-01. Review status: criteria provided, single submitter. Criteria: Invitae Variant Classification Sherloc (09022015). Collection method: clinical testing. Allele origin: germline.

Mayo Clinic Laboratories, Mayo Clinic
Classification: Benign. Last evaluated: 2024-02-05. Review status: criteria provided, single submitter. Criteria: ACMG Guidelines, 2015. Collection method: clinical testing. Allele origin: germline. Observed: 16 variant alleles.
Comment: BS1, BS2, BP4, BP7

Illumina Laboratory Services, Illumina
Classification: Benign for Inflammatory bowel disease 28. Last evaluated: 2017-04-27. Review status: criteria provided, single submitter. Criteria: ICSL Variant Classification Criteria 13 December 2019. Collection method: clinical testing. Allele origin: germline.
Comment: This variant was observed as part of a predisposition screen in an ostensibly healthy population. A literature search was performed for the gene, cDNA change, and amino acid change (where applicable). No publications were found based on this search. Allele frequency data from public databases was too high to be consistent with this variant causing disease. Therefore, this variant is classified as benign.

Eurofins Ntd Llc (ga)
Classification: Benign. Last evaluated: 2015-08-10. Review status: criteria provided, single submitter. Criteria: EGL Classification Definitions 2015. Collection method: clinical testing. Allele origin: germline. Observed: 1 variant allele, 1 heterozygote.

Breakthrough Genomics
Classification: Benign. Review status: criteria provided, single submitter. Criteria: ACMG Guidelines, 2015. Collection method: not provided. Allele origin: germline. Inheritance: Autosomal recessive inheritance. Affected: yes.